The following is an entry in ClinVar:

ClinVar aggregate classification (germline): Uncertain significance. Review status: criteria provided, multiple submitters, no conflicts (2 of 4 stars). 2 submissions from 2 submitters: Uncertain significance (2). Last evaluated 2025-11-10.

Conditions:
Cardiovascular phenotype. Identifiers: MedGen CN230736.
Cholestanol storage disease (CTX). Also called: CEREBRAL CHOLESTERINOSIS; CTX: Cerebrotendinous xanthomatosis; Cerebrotendinous Xanthomatosis. Identifiers: Orphanet 909, MedGen C0238052, MONDO:0008948, OMIM 213700.

Allele frequency attached by ClinVar (database versions not stated): gnomAD exomes below 0.00001; ExAC 0.00001.
gnomAD v4.1: 4 of 1,614,244 alleles (0.00025%); highest among the groups gnomAD compares: East Asian, 0.0089%; no homozygotes.

Submissions (2):

Ambry Genetics
Classification: Uncertain significance for Cardiovascular phenotype. Last evaluated: 2025-11-10. Review status: criteria provided, single submitter. Criteria: Ambry Variant Classification Scheme 2023. Collection method: clinical testing. Allele origin: germline.
Comment: The p.H350Y variant (also known as c.1048C>T), located in coding exon 6 of the CYP27A1 gene, results from a C to T substitution at nucleotide position 1048. The histidine at codon 350 is replaced by tyrosine, an amino acid with similar properties. This amino acid position is conserved. In addition, this alteration is predicted to be tolerated by in silico analysis. Based on the available evidence, the clinical significance of this variant remains unclear.

Labcorp Genetics (formerly Invitae), Labcorp
Classification: Uncertain significance for Cholestanol storage disease. Last evaluated: 2022-08-08. Review status: criteria provided, single submitter. Criteria: Invitae Variant Classification Sherloc (09022015). Collection method: clinical testing. Allele origin: germline.
Comment: This sequence change replaces histidine, which is basic and polar, with tyrosine, which is neutral and polar, at codon 350 of the CYP27A1 protein (p.His350Tyr). This variant is present in population databases (rs201472827, gnomAD 0.02%). This variant has not been reported in the literature in individuals affected with CYP27A1-related conditions. Advanced modeling of protein sequence and biophysical properties (such as structural, functional, and spatial information, amino acid conservation, physicochemical variation, residue mobility, and thermodynamic stability) performed at Invitae indicates that this missense variant is not expected to disrupt CYP27A1 protein function. In summary, the available evidence is currently insufficient to determine the role of this variant in disease. Therefore, it has been classified as a Variant of Uncertain Significance.

NM_000784.4(CYP27A1):c.1048C>T (p.His350Tyr)

Gene: CYP27A1 (cytochrome P450 family 27 subfamily A member 1; plus strand). Cytogenetic location: 2q35.
Variant type: single nucleotide variant.
Coding change: c.1048C>T on transcript NM_000784.4 (MANE Select); coding-DNA position 1048, C replaced by T.
Protein change: p.His350Tyr; replaces histidine 350 with tyrosine.
Molecular consequence: missense variant.
Genome position (GRCh38, 1-based): chr2:218,814,051, C>T. VCF-style: chr2-218814051-C-T. GRCh37 (hg19) VCF-style: chr2-219678774-C-T.
Other names: c.1048C>T (NM_000784.3); short protein forms H350Y.
Identifiers: ClinVar variation 2415508 (VCV002415508.4), dbSNP rs201472827, ClinGen allele CA2112789.